The following is an entry in ClinVar:

NM_000059.4(BRCA2):c.1376del (p.Pro458_Leu459insTer)

Gene: BRCA2 (BRCA2 DNA repair associated; plus strand). Cytogenetic location: 13q13.1.
Variant type: Deletion.
Coding change: c.1376del on transcript NM_000059.4 (MANE Select); coding-DNA position 1376, one base deleted (T; older notation c.1376delT).
Protein change: p.Pro458_Leu459insTer.
Molecular consequence: nonsense.
Genome position (GRCh38, 1-based): chr13:32,332,854, T deleted; the last of 2 consecutive T bases (chr13:32,332,853-32,332,854); deleting either gives the same sequence. VCF-style (leftmost placement, unchanged base first): chr13-32332852-AT-A. GRCh37 (hg19) VCF-style: chr13-32906989-AT-A.
Other names: 1603delT; c.1376delT (NM_000059.3).
Identifiers: ClinVar variation 266631 (VCV000266631.6), dbSNP rs886040363, ClinGen allele CA10589091.
Genomic context (GRCh38, chr13:32,332,852, plus strand): 5'-TTTTCTTACTTCAGAGAATTCTTTGCCACGTATTTCTAGCCTACCAAAATCAGAGAAGCC[AT>A]TAAATGAGGAAACAGTGGTAAATAAGAGAGATGAAGAGCAGCATCTTGAATCTCATACAG-3'

ClinVar aggregate classification (germline): Pathogenic. Review status: reviewed by expert panel (3 of 4 stars). 3 submissions from 3 submitters: Pathogenic (1). 2 of the submissions do not count toward it. Last evaluated 2016-10-18.

Conditions:
Hereditary cancer-predisposing syndrome. Also called: Hereditary Cancer Syndrome; Neoplastic Syndromes, Hereditary; Hereditary neoplastic syndrome; Tumor predisposition. Identifiers: Orphanet 140162, MedGen C0027672, MeSH D009386, MONDO:0015356.
Breast-ovarian cancer, familial, susceptibility to, 2 (BROVCA2). Also called: BRCA2 Hereditary Breast and Ovarian Cancer. Identifiers: Orphanet 145, MedGen C2675520, MONDO:0012933, OMIM 612555. Disease mechanism: loss of function.
Breast-ovarian cancer, familial, susceptibility to, 1 (BROVCA1). Also called: BRCA1 Hereditary Breast and Ovarian Cancer; OVARIAN CANCER, SUSCEPTIBILITY TO. Identifiers: Orphanet 145, MedGen C2676676, MONDO:0011450, OMIM 604370. Disease mechanism: loss of function.

Submissions (3):

Evidence-based Network for the Interpretation of Germline Mutant Alleles (ENIGMA)
Classification: Pathogenic for Breast-ovarian cancer, familial, susceptibility to, 2. Last evaluated: 2016-10-18. Review status: reviewed by expert panel. Criteria: ENIGMA BRCA1/2 Classification Criteria (2015). Collection method: curation. Allele origin: germline.
Comment: Variant allele predicted to encode a truncated non-functional protein.

Institute of Immunology and Genetics Kaiserslautern
Classification: Pathogenic for Breast-ovarian cancer, familial, susceptibility to, 1. Last evaluated: 2024-10-29. Review status: criteria provided, single submitter. Criteria: ACMG Guidelines, 2015. Collection method: clinical testing. Allele origin: germline. Affected: yes. Not counted in ClinVar's aggregate classification.
Comment: ACMG Criteria: PVS1, PM2, PP5_m; Variant was found in heterozygous state

Ambry Genetics
Classification: Pathogenic for Hereditary cancer-predisposing syndrome. Last evaluated: 2020-01-14. Review status: criteria provided, single submitter. Criteria: Ambry Variant Classification Scheme 2023. Collection method: clinical testing. Allele origin: germline. Not counted in ClinVar's aggregate classification.
Comment: The c.1376delT pathogenic mutation, located in coding exon 9 of the BRCA2 gene, results from a deletion of one nucleotide at nucleotide position 1376, causing a translational frameshift with a predicted alternate stop codon (p.L459*). This alteration is expected to result in loss of function by premature protein truncation or nonsense-mediated mRNA decay. As such, this alteration is interpreted as a disease-causing mutation.